The following is an entry in ClinVar:

ClinVar aggregate classification (germline): Uncertain significance. Review status: criteria provided, multiple submitters, no conflicts (2 of 4 stars). 2 submissions from 2 submitters: Uncertain significance (2). Last evaluated 2024-05-06.

Conditions:
Nephronophthisis 15 (NPHP15). Identifiers: Orphanet 3156, MedGen C3541853, MONDO:0013917, OMIM 614845.

Allele frequency attached by ClinVar (database versions not stated): gnomAD exomes 0.00001; ExAC 0.00001.

Submissions (2):

Fulgent Genetics
Classification: Uncertain significance for Nephronophthisis 15. Last evaluated: 2024-05-06. Review status: criteria provided, single submitter. Criteria: ACMG Guidelines, 2015. Collection method: clinical testing. Allele origin: germline.

Labcorp Genetics (formerly Invitae), Labcorp
Classification: Uncertain significance for Nephronophthisis 15. Last evaluated: 2021-09-01. Review status: criteria provided, single submitter. Criteria: Invitae Variant Classification Sherloc (09022015). Collection method: clinical testing. Allele origin: germline.
Comment: This sequence change replaces aspartic acid with histidine at codon 926 of the CEP164 protein (p.Asp926His). The aspartic acid residue is moderately conserved and there is a moderate physicochemical difference between aspartic acid and histidine. This variant is present in population databases (rs751259435, ExAC 0.01%). This variant has not been reported in the literature in individuals affected with CEP164-related conditions. Algorithms developed to predict the effect of missense changes on protein structure and function are either unavailable or do not agree on the potential impact of this missense change (SIFT: "Deleterious"; PolyPhen-2: "Probably Damaging"; Align-GVGD: "Class C0"). In summary, the available evidence is currently insufficient to determine the role of this variant in disease. Therefore, it has been classified as a Variant of Uncertain Significance.

NM_014956.5(CEP164):c.2776G>C (p.Asp926His)

Gene: CEP164 (centrosomal protein 164; plus strand). Cytogenetic location: 11q23.3.
Variant type: single nucleotide variant.
Coding change: c.2776G>C on transcript NM_014956.5 (MANE Select); coding-DNA position 2776, G replaced by C.
Protein change: p.Asp926His; replaces aspartic acid 926 with histidine.
Molecular consequence: missense variant.
Genome position (GRCh38, 1-based): chr11:117,394,935, G>C. VCF-style: chr11-117394935-G-C. GRCh37 (hg19) VCF-style: chr11-117265651-G-C.
Other names: c.2785G>C, p.Asp929His (NM_001271933.2); short protein forms D929H, D926H.
Identifiers: ClinVar variation 1473072 (VCV001473072.6), dbSNP rs751259435, ClinGen allele CA6295217.
Genomic context (GRCh38, chr11:117,394,935, plus strand): 5'-TGCCTTACACTCTTTCTATGCTTATGTGTTTCCCTTTCTGGGCAGGAAAGGAAGCTCCAG[G>C]ATTTAGAGTTGGACCTTGAAACCAGAGCTAAAGATGTCAAGGCCAGATTGGCTCTGCTGG-3'
Protein context (NP_055771.4, residues 916-936): RHREQERKLQ[Asp926His]LELDLETRAK